The following is an entry in ClinVar:

NM_001395333.1(MTCL1):c.931C>G (p.Pro311Ala)

Genes: GACAT2 (gastric cancer associated transcript 2; minus strand), MTCL1 (microtubule crosslinking factor 1; plus strand). Cytogenetic location: 18p11.22.
Variant type: single nucleotide variant.
Coding change: c.931C>G on transcript NM_001395333.1 (MANE Select); coding-DNA position 931, C replaced by G.
Protein change: p.Pro311Ala; replaces proline 311 with alanine.
Molecular consequence: missense variant.
Genome position (GRCh38, 1-based): chr18:8,706,591, C>G. VCF-style: chr18-8706591-C-G. GRCh37 (hg19) VCF-style: chr18-8706589-C-G.
Other names: c.931C>G, p.Pro311Ala (NM_001378205.1, NM_001378206.1, NM_001378207.1); short protein forms P311A.
Identifiers: ClinVar variation 3250811 (VCV003250811.18), dbSNP rs1408233142.
Genomic context (GRCh38, chr18:8,706,591, plus strand): 5'-GGGGGTTTCGCGGGGCCCGGCGTGGCGGAGGATGTCCGGGGGCGCTCGCCACCGGAGCGA[C>G]CAGTCCCCGGGACCCCCAAGGAGCCCAGCCTGGGCGAGCAGTCTCGGCTCGTGCCAGCGG-3'
Protein context (NP_001382262.1, residues 301-321): DVRGRSPPER[Pro311Ala]VPGTPKEPSL

ClinVar aggregate classification (germline): Uncertain significance (1 of 4 stars; one submission).

Allele frequency attached by ClinVar (database versions not stated): gnomAD 0.00001; gnomAD exomes 0.00001.
gnomAD v4.1: 27 of 1,507,308 alleles (0.0018%); highest among the groups gnomAD compares: African/African-American, 0.024%; no homozygotes.

Submission:

CeGaT Center for Human Genetics Tuebingen
Classification: Uncertain significance. Last evaluated: 2024-06-01. Review status: criteria provided, single submitter. Criteria: CeGaT Center For Human Genetics Tuebingen Variant Classification Criteria Version 2. Collection method: clinical testing. Allele origin: germline. Affected: yes. Observed: 1 variant allele.
Comment: MTCL1: PM2